The following is an entry in ClinVar:

GRCh38/hg38 3q26.1(chr3:166493319-166941997)x1

Genes: LOC105374194 (uncharacterized LOC105374194; plus strand), LOC126806871 (P300/CBP strongly-dependent group 1 enhancer GRCh37_chr3:166380535-166381734; plus strand). Cytogenetic location: 3q26.1.
Variant type: copy number loss.
Change: copy number 1 (one copy instead of two) of chr3:166,493,319-166,941,997 (448.7 kb, GRCh38 coordinates, 1-based), cytogenetic band 3q26.1.
Identifiers: ClinVar variation 60126 (VCV000060126.1).

ClinVar aggregate classification (germline): Uncertain significance (1 of 4 stars; one submission).

Submission:

ISCA site 17
Classification: Uncertain significance. Last evaluated: 2011-08-12. Review status: criteria provided, single submitter. Criteria: Kaminsky et al. (Genet Med. 2011). Collection method: clinical testing. Allele origin: unknown. Affected: yes. Observed: 1 variant allele.
Comment: Copy number variation identified through the course of routine clinical cytogenomic testing in postnatal populations. Clinical assertions have been curated as described in Kaminsky et al. 2011.